The following is an entry in ClinVar:

ClinVar aggregate classification (germline): Uncertain significance (1 of 4 stars; one submission).

Conditions:
Inborn genetic diseases. Identifiers: MedGen C0950123, MeSH D030342.

Submission:

Ambry Genetics
Classification: Uncertain significance for Inborn genetic diseases. Last evaluated: 2025-05-31. Review status: criteria provided, single submitter. Criteria: Ambry Variant Classification Scheme 2023. Collection method: clinical testing. Allele origin: germline.
Comment: The p.I534K variant (also known as c.1601T>A), located in coding exon 8 of the MECOM gene, results from a T to A substitution at nucleotide position 1601. The isoleucine at codon 534 is replaced by lysine, an amino acid with dissimilar properties. This amino acid position is conserved. In addition, this alteration is predicted to be tolerated by in silico analysis. Based on the available evidence, the clinical significance of this variant remains unclear.

NM_004991.4(MECOM):c.1601T>A (p.Ile534Lys)

Gene: MECOM (MDS1 and EVI1 complex locus; minus strand). Cytogenetic location: 3q26.2.
Variant type: single nucleotide variant.
Coding change: c.1601T>A on transcript NM_004991.4 (MANE Select); coding-DNA position 1601, T replaced by A.
Protein change: p.Ile534Lys; replaces isoleucine 534 with lysine.
Molecular consequence: missense variant. On other transcripts: intron variant (2).
Genome position (GRCh38, 1-based): chr3:169,116,271, A>T on the plus strand (T>A on the coding strand, the complement: MECOM is on the minus strand). VCF-style: chr3-169116271-A-T. GRCh37 (hg19) VCF-style: chr3-168834059-A-T.
Other names: c.1232T>A, p.Ile411Lys (NM_001105077.4); c.1037T>A, p.Ile346Lys (NM_001105078.4, NM_001164000.2, NM_001205194.2 and 4 more transcripts); c.1040T>A, p.Ile347Lys (NM_001163999.2, NM_001366467.2, NM_001366468.2 and 1 more transcripts); c.1601T>A, p.Ile534Lys (NM_001366466.2); c.1133-504T>A (NM_001366473.2); c.569-504T>A (NM_001366474.2); short protein forms I347K, I534K, I346K, I411K.
Identifiers: ClinVar variation 4053303 (VCV004053303.1).